The following is an entry in ClinVar:

ClinVar aggregate classification (germline): Uncertain significance (1 of 4 stars; one submission).

gnomAD v4.1: 4 of 1,614,060 alleles (0.00025%); highest among the groups gnomAD compares: South Asian, 0.0011%; no homozygotes.

Submission:

CeGaT Center for Human Genetics Tuebingen
Classification: Uncertain significance. Last evaluated: 2025-07-01. Review status: criteria provided, single submitter. Criteria: CeGaT Center For Human Genetics Tuebingen Variant Classification Criteria Version 2. Collection method: clinical testing. Allele origin: germline. Affected: yes. Observed: 1 variant allele.
Comment: ACO2: PM2, PP3, PS3:Supporting, PS4:Supporting

NM_001098.3(ACO2):c.1690C>T (p.Arg564Cys)

Genes: ACO2 (aconitase 2; plus strand), LOC130067544 (ATAC-STARR-seq lymphoblastoid active region 19118; plus strand). Cytogenetic location: 22q13.2.
Variant type: single nucleotide variant.
Coding change: c.1690C>T on transcript NM_001098.3 (MANE Select); coding-DNA position 1690, C replaced by T.
Protein change: p.Arg564Cys; replaces arginine 564 with cysteine.
Molecular consequence: missense variant.
Genome position (GRCh38, 1-based): chr22:41,525,277, C>T. VCF-style: chr22-41525277-C-T. GRCh37 (hg19) VCF-style: chr22-41921281-C-T.
Other names: short protein forms R564C.
Identifiers: ClinVar variation 4084964 (VCV004084964.8).
Genomic context (GRCh38, chr22:41,525,277, plus strand): 5'-TACCAGCACCCACCCAAGGACAGCAGCGGGCAGCATGTGGACGTGAGCCCCACCAGCCAG[C>T]GCCTGCAGCTCCTGGAGCCTTTTGACAAGTGGGATGGCAAGGACCTGGAGGACCTGCAGA-3'
Protein context (NP_001089.1, residues 554-574): QHVDVSPTSQ[Arg564Cys]LQLLEPFDKW